The following is an entry in ClinVar:

ClinVar aggregate classification (germline): Uncertain significance (1 of 4 stars; one submission).

Conditions:
Spastic paraplegia. Identifiers: MedGen C0037772, HP:0001258.

Allele frequency attached by ClinVar (database versions not stated): gnomAD 0.00001.
gnomAD v4.1: 32 of 1,614,072 alleles (0.002%); highest among the groups gnomAD compares: East Asian, 0.071%; no homozygotes.

Submission:

Labcorp Genetics (formerly Invitae), Labcorp
Classification: Uncertain significance for Spastic paraplegia. Last evaluated: 2021-08-26. Review status: criteria provided, single submitter. Criteria: Invitae Variant Classification Sherloc (09022015). Collection method: clinical testing. Allele origin: germline.
Comment: This sequence change replaces proline with serine at codon 969 of the ZFYVE26 protein (p.Pro969Ser). The proline residue is highly conserved and there is a moderate physicochemical difference between proline and serine. This variant is not present in population databases (ExAC no frequency). This variant has not been reported in the literature in individuals affected with ZFYVE26-related conditions. Algorithms developed to predict the effect of missense changes on protein structure and function output the following: SIFT: "Tolerated"; PolyPhen-2: "Benign"; Align-GVGD: "Class C0". The serine amino acid residue is found in multiple mammalian species, which suggests that this missense change does not adversely affect protein function. In summary, the available evidence is currently insufficient to determine the role of this variant in disease. Therefore, it has been classified as a Variant of Uncertain Significance.

NM_015346.4(ZFYVE26):c.2905C>T (p.Pro969Ser)

Gene: ZFYVE26 (zinc finger FYVE-type containing 26; minus strand). Cytogenetic location: 14q24.1.
Variant type: single nucleotide variant.
Coding change: c.2905C>T on transcript NM_015346.4 (MANE Select); coding-DNA position 2905, C replaced by T.
Protein change: p.Pro969Ser; replaces proline 969 with serine.
Molecular consequence: missense variant.
Genome position (GRCh38, 1-based): chr14:67,789,449, G>A on the plus strand (C>T on the coding strand, the complement: ZFYVE26 is on the minus strand). VCF-style: chr14-67789449-G-A. GRCh37 (hg19) VCF-style: chr14-68256166-G-A.
Other names: short protein forms P969S.
Identifiers: ClinVar variation 1464213 (VCV001464213.5), dbSNP rs1315958519, ClinGen allele CA390173418.
Genomic context (GRCh38, chr14:67,789,449, plus strand): 5'-TGCAGGTTTTCCAGAGCTGGCACTGAGAGCAAGCTAGGTCAAATGCAGCCATGGCAGGGG[G>A]ACTGAGGTCTTCCAGAACCTCTCTCAGGGGAGCAGTGGGCTCCACTAGAGCCGTGCTTAT-3'
Protein context (NP_056161.2, residues 959-979): PLREVLEDLS[Pro969Ser]PAMAAFDLAC